The following is an entry in ClinVar:

NM_001386393.1(PANK2):c.713A>G (p.Tyr238Cys)

Gene: PANK2 (pantothenate kinase 2; plus strand). Cytogenetic location: 20p13.
Variant type: single nucleotide variant.
Coding change: c.713A>G on transcript NM_001386393.1 (MANE Select); coding-DNA position 713, A replaced by G.
Protein change: p.Tyr238Cys; replaces tyrosine 238 with cysteine.
Molecular consequence: missense variant. On other transcripts: non-coding transcript variant (1), 5 prime UTR variant (1).
Genome position (GRCh38, 1-based): chr20:3,910,638, A>G. VCF-style: chr20-3910638-A-G. GRCh37 (hg19) VCF-style: chr20-3891285-A-G.
Other names: p.Tyr348Cys; c.170A>G, p.Tyr57Cys (NM_024960.6, NM_153640.4, NM_001324191.2); c.1043A>G, p.Tyr348Cys (NM_153638.4); c.-266A>G (NM_001324193.2); short protein forms Y238C, Y348C, Y57C.
Identifiers: ClinVar variation 4871892 (VCV004871892.1).

ClinVar aggregate classification (germline): Uncertain significance (1 of 4 stars; one submission).

Conditions:
Pigmentary pallidal degeneration (NBIA1). Also called: PKAN NEUROAXONAL DYSTROPHY, JUVENILE-ONSET; Pantothenate Kinase-Associated Neurodegeneration; Neuroaxonal dystrophy, late infantile; Hallervorden-Spatz disease; Neurodegeneration with brain iron accumulation 1; HARP SYNDROME. Identifiers: Orphanet 157850, MedGen C0018523, MONDO:0009319, OMIM 234200.

Submission:

Centre for Mendelian Genomics, University Medical Centre Ljubljana
Classification: Uncertain significance for Pigmentary pallidal degeneration. Last evaluated: 2026-07-22. Review status: criteria provided, single submitter. Criteria: ACMG Guidelines, 2015. Collection method: clinical testing. Allele origin: germline. Affected: yes. Observed: 1 variant allele.
Comment: The c.1043A>G (p.Tyr348Cys) variant in PANK2 has not previously been reported in association with human disease in the biomedical literature; however, the following lines of evidence favor its pathogenicity. The variant is absent from control populations in gnomAD [PM2]. The identified variant is consistent with the referral clinical presentation [PP4]. In silico pathogenicity prediction algorithms uniformly predict the variant as pathogenic [PP3]. The available evidence in the biomedical literature and databases is currently insufficient to assert whether the identified variant is pathogenic or a benign polymorphism. We therefore classify it as a variant of uncertain significance.